The following is an entry in ClinVar:

NM_052867.4(NALCN):c.2177T>C (p.Val726Ala)

Gene: NALCN (sodium leak channel, non-selective; minus strand). Cytogenetic location: 13q33.1.
Variant type: single nucleotide variant.
Coding change: c.2177T>C on transcript NM_052867.4 (MANE Select); coding-DNA position 2177, T replaced by C.
Protein change: p.Val726Ala; replaces valine 726 with alanine.
Molecular consequence: missense variant.
Genome position (GRCh38, 1-based): chr13:101,124,623, A>G on the plus strand (T>C on the coding strand, the complement: NALCN is on the minus strand). VCF-style: chr13-101124623-A-G. GRCh37 (hg19) VCF-style: chr13-101776974-A-G.
Other names: c.2177T>C (NM_052867.2); c.2177T>C, p.Val726Ala (NM_001350748.2, NM_001350749.2); c.2090T>C, p.Val697Ala (NM_001350750.2, NM_001350751.2); short protein forms V697A, V726A.
Identifiers: ClinVar variation 1981512 (VCV001981512.5), dbSNP rs773172075, ClinGen allele CA7035899.

ClinVar aggregate classification (germline): Uncertain significance. Review status: criteria provided, multiple submitters, no conflicts (2 of 4 stars). 2 submissions from 2 submitters: Uncertain significance (2). Last evaluated 2025-11-19.

Allele frequency attached by ClinVar (database versions not stated): gnomAD exomes 0.00001; TOPMed 0.00001; ExAC 0.00002.
gnomAD v4.1: 6 of 1,613,970 alleles (0.00037%); highest among the groups gnomAD compares: Admixed American, 0.01%; no homozygotes.

Submissions (2):

Labcorp Genetics (formerly Invitae), Labcorp
Classification: Uncertain significance. Last evaluated: 2025-11-19. Review status: criteria provided, single submitter. Criteria: Invitae Variant Classification Sherloc (09022015). Collection method: clinical testing. Allele origin: germline.
Comment: This sequence change replaces valine, which is neutral and non-polar, with alanine, which is neutral and non-polar, at codon 726 of the NALCN protein (p.Val726Ala). This variant is present in population databases (rs773172075, gnomAD 0.02%). This variant has not been reported in the literature in individuals affected with NALCN-related conditions. ClinVar contains an entry for this variant (Variation ID: 1981512). Invitae Evidence Modeling of protein sequence and biophysical properties (such as structural, functional, and spatial information, amino acid conservation, physicochemical variation, residue mobility, and thermodynamic stability) indicates that this missense variant is not expected to disrupt NALCN protein function with a negative predictive value of 80%. In summary, the available evidence is currently insufficient to determine the role of this variant in disease. Therefore, it has been classified as a Variant of Uncertain Significance.

GeneDx
Classification: Uncertain significance. Last evaluated: 2025-01-29. Review status: criteria provided, single submitter. Criteria: GeneDx Variant Classification Process June 2021. Collection method: clinical testing. Allele origin: germline. Affected: yes.
Comment: In silico analysis supports that this missense variant has a deleterious effect on protein structure/function; Has not been previously published as pathogenic or benign to our knowledge